The following is an entry in ClinVar:

Conditions:
Long QT syndrome 5 (LQT5). Identifiers: Orphanet 101016, Orphanet 768, MedGen C1867904, MONDO:0013372, OMIM 613695.

Submission:

Roden Lab, Vanderbilt University Medical Center
No classification provided (evidence only). Condition: Long QT syndrome 5. Review status: no classification provided. Collection method: in vitro. Allele origin: not applicable. Functional consequence: Effect on ion channel function.
ClinVar note: "not provided" was previously submitted as the classification for the variant. However, the classification appeared to be based only on an observation of functional data so it was converted to no classification on 2025-07-30.

NM_000219.6(KCNE1):c.298C>A (p.Leu100Met)

Gene: KCNE1 (potassium voltage-gated channel subfamily E regulatory subunit 1; minus strand). Cytogenetic location: 21q22.12.
Variant type: single nucleotide variant.
Coding change: c.298C>A on transcript NM_000219.6 (MANE Select); coding-DNA position 298, C replaced by A.
Protein change: p.Leu100Met; replaces leucine 100 with methionine.
Molecular consequence: missense variant.
Genome position (GRCh38, 1-based): chr21:34,449,337, G>T on the plus strand (C>A on the coding strand, the complement: KCNE1 is on the minus strand). VCF-style: chr21-34449337-G-T. GRCh37 (hg19) VCF-style: chr21-35821635-G-T.
Other names: c.298C>A, p.Leu100Met (NM_001127668.4, NM_001127669.4, NM_001127670.4 and 4 more transcripts); short protein forms L100M.
Identifiers: ClinVar variation 3374566 (VCV003374566.2).
Genomic context (GRCh38, chr21:34,449,337, plus strand): 5'-TGTTGGGTTGTTCTATGGCCAGATGGTTTTCAACGACATAGCACGACCTGTAGCTCTCCA[G>T]GACCCGGGCCTGGACATAGGCCTTGTCCTTCTCTTGCCAGGCATCGGACTCGATGTAGAC-3'
Protein context (NP_000210.2, residues 90-110): KDKAYVQARV[Leu100Met]ESYRSCYVVE